The following is an entry in ClinVar:

NM_032119.4(ADGRV1):c.17667C>G (p.His5889Gln)

Gene: ADGRV1 (adhesion G protein-coupled receptor V1; plus strand). Cytogenetic location: 5q14.3.
Variant type: single nucleotide variant.
Coding change: c.17667C>G on transcript NM_032119.4 (MANE Select); coding-DNA position 17667, C replaced by G.
Protein change: p.His5889Gln; replaces histidine 5889 with glutamine.
Molecular consequence: missense variant. On other transcripts: non-coding transcript variant (1).
Genome position (GRCh38, 1-based): chr5:90,855,813, C>G. VCF-style: chr5-90855813-C-G. GRCh37 (hg19) VCF-style: chr5-90151630-C-G.
Other names: short protein forms H5889Q.
Identifiers: ClinVar variation 906693 (VCV000906693.11), dbSNP rs56382582, ClinGen allele CA3342413.
Genomic context (GRCh38, chr5:90,855,813, plus strand): 5'-CAGTCAGTTTTGCAAAGTGGTTGAGGAAACTGCAGACTATGTGGAATGTGCCTGTTCACA[C>G]ATGTCTGTGTATGCTGTCTATGCTCGGACTGACAACTTGTCTTCATACAATGAAGCCTTC-3'
Protein context (NP_115495.3, residues 5879-5899): TADYVECACS[His5889Gln]MSVYAVYART

ClinVar aggregate classification (germline): Uncertain significance. Review status: criteria provided, multiple submitters, no conflicts (2 of 4 stars). 4 submissions from 4 submitters: Uncertain significance (4). Last evaluated 2025-07-02.

Conditions:
Usher syndrome type 2C. Also called: USHER SYNDROME, TYPE IIC; Usher syndrome, type 2B. Identifiers: Orphanet 231178, Orphanet 886, MedGen C2931213, MONDO:0011558, OMIM 605472.
ADGRV1-related disorder. Also called: ADGRV1-related disorders; ADGRV1-related condition.

Allele frequency attached by ClinVar (database versions not stated): ExAC 0.00002; TOPMed 0.00002; gnomAD 0.00004; ESP Exome Variant Server 0.00008; 1000 Genomes Project 0.00020; 1000 Genomes Project 30x 0.00031.
gnomAD v4.1: 33 of 1,610,044 alleles (0.002%); highest among the groups gnomAD compares: Non-Finnish European, 0.0027%; no homozygotes.

Submissions (4):

PreventionGenetics, part of Exact Sciences
Classification: Uncertain significance for ADGRV1-related condition. Last evaluated: 2025-07-02. Review status: criteria provided, single submitter. Criteria: ACMG Guidelines, 2015. Collection method: clinical testing. Allele origin: germline.
Comment: The ADGRV1 c.17667C>G variant is predicted to result in the amino acid substitution p.His5889Gln. To our knowledge, this variant has not been reported in the literature. This variant is present in 0.0036% of alleles in individuals of European (Non-Finnish) descent in gnomAD. At this time, the clinical significance of this variant is uncertain due to the absence of conclusive functional and genetic evidence.

Labcorp Genetics (formerly Invitae), Labcorp
Classification: Uncertain significance. Last evaluated: 2022-08-19. Review status: criteria provided, single submitter. Criteria: Invitae Variant Classification Sherloc (09022015). Collection method: clinical testing. Allele origin: germline.
Comment: This sequence change replaces histidine, which is basic and polar, with glutamine, which is neutral and polar, at codon 5889 of the ADGRV1 protein (p.His5889Gln). This variant is present in population databases (rs56382582, gnomAD 0.004%). This variant has not been reported in the literature in individuals affected with ADGRV1-related conditions. ClinVar contains an entry for this variant (Variation ID: 906693). Algorithms developed to predict the effect of missense changes on protein structure and function are either unavailable or do not agree on the potential impact of this missense change (SIFT: "Deleterious"; PolyPhen-2: "Benign"; Align-GVGD: "Class C0"). Algorithms developed to predict the effect of sequence changes on RNA splicing suggest that this variant may create or strengthen a splice site. In summary, the available evidence is currently insufficient to determine the role of this variant in disease. Therefore, it has been classified as a Variant of Uncertain Significance.

Illumina Laboratory Services, Illumina
Classification: Uncertain significance for Usher syndrome type 2C. Last evaluated: 2018-01-13. Review status: criteria provided, single submitter. Criteria: ICSL Variant Classification Criteria 13 December 2019. Collection method: clinical testing. Allele origin: germline.

Breakthrough Genomics
Classification: Uncertain significance. Review status: criteria provided, single submitter. Criteria: ACMG Guidelines, 2015. Collection method: not provided. Allele origin: germline. Inheritance: Autosomal recessive inheritance. Affected: yes.